The following is an entry in ClinVar:

NM_015175.3(NBEAL2):c.7566G>A (p.Arg2522=)

Gene: NBEAL2 (neurobeachin like 2; plus strand). Cytogenetic location: 3p21.31.
Variant type: single nucleotide variant.
Coding change: c.7566G>A on transcript NM_015175.3 (MANE Select); coding-DNA position 7566, G replaced by A.
Protein change: p.Arg2522=; no amino-acid change (arginine 2522 retained).
Molecular consequence: synonymous variant.
Genome position (GRCh38, 1-based): chr3:47,007,874, G>A. VCF-style: chr3-47007874-G-A. GRCh37 (hg19) VCF-style: chr3-47049364-G-A.
Other names: c.7464G>A, p.Arg2488= (NM_001365116.2).
Identifiers: ClinVar variation 3769104 (VCV003769104.2).
Genomic context (GRCh38, chr3:47,007,874, plus strand): 5'-AGATGTAGTAACCTGCCTTGCACTGGACACCTGTGGCATCTACCTCATCTCAGGCTCCCG[G>A]GACACCACGTGCATGGTGTGGCGGCTCCTGCATCAGGTGTGCCTCGTGGGCAGCTCTGTG-3'
Protein context (NP_055990.1, residues 2512-2532): TCGIYLISGS[Arg2522=]DTTCMVWRLL

ClinVar aggregate classification (germline): Likely benign (1 of 4 stars; one submission).

gnomAD v4.1: 4 of 1,613,462 alleles (0.00025%); highest among the groups gnomAD compares: Admixed American, 0.005%; no homozygotes.

Submission:

Women's Health and Genetics/Laboratory Corporation of America, LabCorp
Classification: Likely benign. Last evaluated: 2025-01-14. Review status: criteria provided, single submitter. Criteria: LabCorp Variant Classification Summary - May 2015. Collection method: clinical testing. Allele origin: germline.
Comment: Variant summary: NBEAL2 c.7566G>A alters a conserved nucleotide resulting in a synonymous change. Consensus agreement among computation tools predict no significant impact on normal splicing. However, these predictions have yet to be confirmed by functional studies. The variant allele was found at a frequency of 8.1e-06 in 248044 control chromosomes. The available data on variant occurrences in the general population are insufficient to allow any conclusion about variant significance. To our knowledge, no occurrence of c.7566G>A in individuals affected with Gray Platelet Syndrome and no experimental evidence demonstrating its impact on protein function have been reported. No submitters have cited clinical-significance assessments for this variant to ClinVar. Based on the evidence outlined above, the variant was classified as likely benign.